The following is an entry in ClinVar:

ClinVar aggregate classification (germline): Conflicting classifications of pathogenicity. Review status: criteria provided, conflicting classifications (1 of 4 stars). 5 submissions from 5 submitters: Uncertain significance (1); Likely benign (3). 1 of the submissions does not count toward it. Last evaluated 2025-04-16.

Conditions:
IFT140-related disorder. Also called: IFT140-related condition.
Inborn genetic diseases. Identifiers: MedGen C0950123, MeSH D030342.
Saldino-Mainzer syndrome (SRTD9). Also called: CONORENAL SYNDROME; SHORT-RIB THORACIC DYSPLASIA 9 WITHOUT POLYDACTYLY; short-rib thoracic dysplasia 9 with or without polydactyly; Renal dysplasia, retinal pigmentary dystrophy, cerebellar ataxia and skeletal dysplasia. Identifiers: Orphanet 140969, MedGen C1849437, MONDO:0009964, OMIM 266920.

Allele frequency attached by ClinVar (database versions not stated): gnomAD 0.00001; ExAC 0.00002; TOPMed 0.00002.
gnomAD v4.1: 51 of 1,611,082 alleles (0.0032%); highest among the groups gnomAD compares: Non-Finnish European, 0.0042%; no homozygotes.

Submissions (5):

Labcorp Genetics (formerly Invitae), Labcorp
Classification: Likely benign for Saldino-Mainzer syndrome. Last evaluated: 2025-04-16. Review status: criteria provided, single submitter. Criteria: Invitae Variant Classification Sherloc (09022015). Collection method: clinical testing. Allele origin: germline.

CeGaT Center for Human Genetics Tuebingen
Classification: Likely benign. Last evaluated: 2025-03-01. Review status: criteria provided, single submitter. Criteria: CeGaT Center For Human Genetics Tuebingen Variant Classification Criteria Version 2. Collection method: clinical testing. Allele origin: germline. Affected: yes. Observed: 1 variant allele.
Comment: IFT140: PM2, BP4, BP5, BP7

Ambry Genetics
Classification: Likely benign for Inborn genetic diseases. Last evaluated: 2024-04-08. Review status: criteria provided, single submitter. Criteria: Ambry Variant Classification Scheme 2023. Collection method: clinical testing. Allele origin: germline.

Illumina Laboratory Services, Illumina
Classification: Uncertain significance for Saldino-Mainzer syndrome. Last evaluated: 2018-01-13. Review status: criteria provided, single submitter. Criteria: ICSL Variant Classification Criteria 13 December 2019. Collection method: clinical testing. Allele origin: germline.

PreventionGenetics, part of Exact Sciences
Classification: Likely benign for IFT140-related condition. Last evaluated: 2024-03-14. Review status: no assertion criteria provided. Collection method: clinical testing. Allele origin: germline. Not counted in ClinVar's aggregate classification.
Comment: This variant is classified as likely benign based on ACMG/AMP sequence variant interpretation guidelines (Richards et al. 2015 PMID: 25741868, with internal and published modifications).

NM_014714.4(IFT140):c.3525C>G (p.Thr1175=)

Gene: IFT140 (intraflagellar transport 140; minus strand). Cytogenetic location: 16p13.3.
Variant type: single nucleotide variant.
Coding change: c.3525C>G on transcript NM_014714.4 (MANE Select); coding-DNA position 3525, C replaced by G.
Protein change: p.Thr1175=; no amino-acid change (threonine 1175 retained).
Molecular consequence: synonymous variant.
Genome position (GRCh38, 1-based): chr16:1,520,737, G>C on the plus strand (C>G on the coding strand, the complement: IFT140 is on the minus strand). VCF-style: chr16-1520737-G-C. GRCh37 (hg19) VCF-style: chr16-1570738-G-C.
Identifiers: ClinVar variation 318008 (VCV000318008.26), dbSNP rs752664070, ClinGen allele CA7813127.
Genomic context (GRCh38, chr16:1,520,737, plus strand): 5'-TATCTGCTCCAGCAGCTCCCGCCGCGACTCCTCAGGCAGGTCCGAGGAGTCCTTGGCCAC[G>C]GTCATCTTTTCCGCCATCTCCTCGGTGATGCTCATGTTCTGCCCCAGGCACAGCTGCAGG-3'
Protein context (NP_055529.2, residues 1165-1185): SITEEMAEKM[Thr1175=]VAKDSSDLPE